The following is an entry in ClinVar:

ClinVar aggregate classification (germline): Likely benign. Review status: criteria provided, multiple submitters, no conflicts (2 of 4 stars). 2 submissions from 2 submitters: Likely benign (2). Last evaluated 2025-08-31.

Allele frequency attached by ClinVar (database versions not stated): gnomAD exomes 0.00004 and 0.00010; ExAC 0.00006; gnomAD 0.00006; TOPMed 0.00006.
gnomAD v4.1: 81 of 1,612,506 alleles (0.005%); highest among the groups gnomAD compares: Admixed American, 0.025%; no homozygotes.

Submissions (2):

Labcorp Genetics (formerly Invitae), Labcorp
Classification: Likely benign. Last evaluated: 2025-08-31. Review status: criteria provided, single submitter. Criteria: Invitae Variant Classification Sherloc (09022015). Collection method: clinical testing. Allele origin: germline.

CeGaT Center for Human Genetics Tuebingen
Classification: Likely benign. Last evaluated: 2024-07-01. Review status: criteria provided, single submitter. Criteria: CeGaT Center For Human Genetics Tuebingen Variant Classification Criteria Version 2. Collection method: clinical testing. Allele origin: germline. Affected: yes. Observed: 2 variant alleles.
Comment: FGF12: BP4, BP7

NM_004113.6(FGF12):c.450G>A (p.Ser150=)

Gene: FGF12 (fibroblast growth factor 12; minus strand). Cytogenetic location: 3q28.
Variant type: single nucleotide variant.
Coding change: c.450G>A on transcript NM_004113.6 (MANE Select); coding-DNA position 450, G replaced by A.
Protein change: p.Ser150=; no amino-acid change (serine 150 retained).
Molecular consequence: synonymous variant.
Genome position (GRCh38, 1-based): chr3:192,144,105, C>T on the plus strand (G>A on the coding strand, the complement: FGF12 is on the minus strand). VCF-style: chr3-192144105-C-T. GRCh37 (hg19) VCF-style: chr3-191861894-C-T.
Other names: c.339G>A, p.Ser113= (NM_001377292.1); c.378G>A, p.Ser126= (NM_001377293.1, NM_001377294.1); c.636G>A, p.Ser212= (NM_021032.5).
Identifiers: ClinVar variation 1578196 (VCV001578196.32), dbSNP rs369115025, ClinGen allele CA2755716.